The following is an entry in ClinVar:

ClinVar aggregate classification (germline): Conflicting classifications of pathogenicity. Review status: criteria provided, conflicting classifications (1 of 4 stars). 3 submissions from 3 submitters: Uncertain significance (2); Likely benign (1). Last evaluated 2024-09-20.

Conditions:
Inborn genetic diseases. Identifiers: MedGen C0950123, MeSH D030342.
ALG9 congenital disorder of glycosylation (CDG1L). Also called: CONGENITAL DISORDER OF GLYCOSYLATION, TYPE Il; CDG Il; ALG9-CDG. Identifiers: Orphanet 79328, MedGen C2931006, MONDO:0012117, OMIM 608776.
Wrinkly skin syndrome (WSS). Also called: Type of Gerodermia osteodysplastica. Identifiers: Orphanet 2834, MedGen C0406587, MONDO:0010208, OMIM 278250.
Cutis laxa with osteodystrophy (ARCL2A). Also called: CUTIS LAXA WITH BONE DYSTROPHY; CUTIS LAXA WITH GROWTH AND DEVELOPMENTAL DELAY; CUTIS LAXA WITH JOINT LAXITY AND RETARDED DEVELOPMENT; Autosomal recessive cutis laxa type 2A; Debré-Type Cutis Laxa; CUTIS LAXA WITH CONGENITAL DISORDER OF GLYCOSYLATION. Identifiers: Orphanet 357058, MedGen C0268355, MONDO:0018163, OMIM 219200. Disease mechanism: loss of function.

Allele frequency attached by ClinVar (database versions not stated): gnomAD exomes below 0.00001; ExAC 0.00001.
gnomAD v4.1: 3 of 1,614,196 alleles (0.00019%); highest among the groups gnomAD compares: Non-Finnish European, 0.000085%; no homozygotes.

Submissions (3):

3billion
Classification: Likely benign for Cutis laxa with osteodystrophy; Wrinkly skin syndrome. Last evaluated: 2024-09-20. Review status: criteria provided, single submitter. Criteria: ACMG Guidelines, 2015. Collection method: clinical testing. Allele origin: germline. Affected: no.
Comment: The homozygous variant was found in patients diagnosed with another variant in a different gene, with no symptoms related to the gene containing the homozygous variant.

Labcorp Genetics (formerly Invitae), Labcorp
Classification: Uncertain significance for ALG9 congenital disorder of glycosylation. Last evaluated: 2022-11-08. Review status: criteria provided, single submitter. Criteria: Invitae Variant Classification Sherloc (09022015). Collection method: clinical testing. Allele origin: germline.
Comment: In summary, the available evidence is currently insufficient to determine the role of this variant in disease. Therefore, it has been classified as a Variant of Uncertain Significance. Advanced modeling of protein sequence and biophysical properties (such as structural, functional, and spatial information, amino acid conservation, physicochemical variation, residue mobility, and thermodynamic stability) performed at Invitae indicates that this missense variant is not expected to disrupt ATP6V0A2 protein function. This variant has not been reported in the literature in individuals affected with ATP6V0A2-related conditions. This variant is present in population databases (rs769120800, gnomAD no frequency). This sequence change replaces alanine, which is neutral and non-polar, with serine, which is neutral and polar, at codon 326 of the ATP6V0A2 protein (p.Ala326Ser).

Ambry Genetics
Classification: Uncertain significance for Inborn genetic diseases. Last evaluated: 2022-03-16. Review status: criteria provided, single submitter. Criteria: Ambry Variant Classification Scheme 2023. Collection method: clinical testing. Allele origin: germline.

NM_012463.4(ATP6V0A2):c.976G>T (p.Ala326Ser)

Gene: ATP6V0A2 (ATPase H+ transporting V0 subunit a2; plus strand). Cytogenetic location: 12q24.31.
Variant type: single nucleotide variant.
Coding change: c.976G>T on transcript NM_012463.4 (MANE Select); coding-DNA position 976, G replaced by T.
Protein change: p.Ala326Ser; replaces alanine 326 with serine.
Molecular consequence: missense variant.
Genome position (GRCh38, 1-based): chr12:123,737,209, G>T. VCF-style: chr12-123737209-G-T. GRCh37 (hg19) VCF-style: chr12-124221756-G-T.
Other names: short protein forms A326S.
Identifiers: ClinVar variation 2069270 (VCV002069270.6), dbSNP rs769120800, ClinGen allele CA6861782.